The following is an entry in ClinVar:

ClinVar aggregate classification (germline): Uncertain significance. Review status: criteria provided, multiple submitters, no conflicts (2 of 4 stars). 6 submissions from 6 submitters: Uncertain significance (5). 1 of the submissions does not count toward it. Last evaluated 2025-10-28.

Conditions:
Cardiovascular phenotype. Identifiers: MedGen CN230736.
Down syndrome (DS). Also called: T21. Identifiers: Orphanet 870, MedGen C0013080, MONDO:0008608, OMIM 190685. Disease mechanism: Meiosis non dynjunction. Inheritance: Chromosomal.
Alstrom syndrome (ALMS). Identifiers: Orphanet 64, MedGen C0268425, MONDO:0008763, OMIM 203800.

Allele frequency attached by ClinVar (database versions not stated): gnomAD exomes 0.00003 and 0.00005; ExAC 0.00004; gnomAD 0.00019 and 0.00020; TOPMed 0.00031; 1000 Genomes Project 0.00080.
gnomAD v4.1: 79 of 1,614,200 alleles (0.0049%); highest among the groups gnomAD compares: Admixed American, 0.062%; no homozygotes.

Submissions (6):

GeneDx
Classification: Uncertain significance. Last evaluated: 2025-10-28. Review status: criteria provided, single submitter. Criteria: GeneDx Variant Classification Process June 2021. Collection method: clinical testing. Allele origin: germline. Affected: yes.
Comment: Has not been previously published as pathogenic or benign to our knowledge; In silico analysis supports that this missense variant has a deleterious effect on protein structure/function

Ambry Genetics
Classification: Uncertain significance for Cardiovascular phenotype. Last evaluated: 2025-07-31. Review status: criteria provided, single submitter. Criteria: Ambry Variant Classification Scheme 2023. Collection method: clinical testing. Allele origin: germline.
Comment: The p.V2748G variant (also known as c.8243T>G), located in coding exon 10 of the ALMS1 gene, results from a T to G substitution at nucleotide position 8243. The valine at codon 2748 is replaced by glycine, an amino acid with dissimilar properties. This amino acid position is not well conserved in available vertebrate species. In addition, this alteration is predicted to be tolerated by in silico analysis. Since supporting evidence is limited at this time, the clinical significance of this alteration remains unclear.

Blueprint Genetics
Classification: Uncertain significance. Last evaluated: 2024-07-24. Review status: criteria provided, single submitter. Criteria: ACMG Guidelines, 2015. Collection method: clinical testing. Allele origin: germline.

Labcorp Genetics (formerly Invitae), Labcorp
Classification: Uncertain significance for Alstrom syndrome. Last evaluated: 2022-11-01. Review status: criteria provided, single submitter. Criteria: Invitae Variant Classification Sherloc (09022015). Collection method: clinical testing. Allele origin: germline.
Comment: This sequence change replaces valine, which is neutral and non-polar, with glycine, which is neutral and non-polar, at codon 2748 of the ALMS1 protein (p.Val2748Gly). The frequency data for this variant in the population databases is considered unreliable, as metrics indicate poor data quality at this position in the gnomAD database. This variant has not been reported in the literature in individuals affected with ALMS1-related conditions. ClinVar contains an entry for this variant (Variation ID: 550971). Experimental studies and prediction algorithms are not available or were not evaluated, and the functional significance of this variant is currently unknown. In summary, the available evidence is currently insufficient to determine the role of this variant in disease. Therefore, it has been classified as a Variant of Uncertain Significance.

Department of Otolaryngology – Head & Neck Surgery, Cochlear Implant Center
Classification: Uncertain significance for Down syndrome. Last evaluated: 2021-04-12. Review status: criteria provided, single submitter. Criteria: ClinGen HL ACMG Specifications v1. Collection method: clinical testing. Allele origin: germline. Affected: yes.
Comment: PM2_Moderate, BP4_Supporting

Counsyl
Classification: Uncertain significance for Alstrom syndrome. Last evaluated: 2017-03-14. Review status: no assertion criteria provided. Collection method: clinical testing. Allele origin: unknown. Not counted in ClinVar's aggregate classification.

NM_001378454.1(ALMS1):c.8240T>G (p.Val2747Gly)

Gene: ALMS1 (ALMS1 centrosome and basal body associated protein; plus strand). Cytogenetic location: 2p13.1.
Variant type: single nucleotide variant.
Coding change: c.8240T>G on transcript NM_001378454.1 (MANE Select); coding-DNA position 8240, T replaced by G.
Protein change: p.Val2747Gly; replaces valine 2747 with glycine.
Molecular consequence: missense variant.
Genome position (GRCh38, 1-based): chr2:73,490,199, T>G. VCF-style: chr2-73490199-T-G. GRCh37 (hg19) VCF-style: chr2-73717326-T-G.
Other names: c.8243T>G, p.Val2748Gly (NM_015120.4); short protein forms V2748G, V2747G.
Identifiers: ClinVar variation 550971 (VCV000550971.15), dbSNP rs188857186, ClinGen allele CA1714430.